The following is an entry in ClinVar:

ClinVar aggregate classification (germline): Uncertain significance (1 of 4 stars; one submission).

Conditions:
Koolen-de Vries syndrome (KDVS). Identifiers: Orphanet 96169, MedGen C1864871, MONDO:0012496, OMIM 610443.

Submission:

Labcorp Genetics (formerly Invitae), Labcorp
Classification: Uncertain significance for Koolen-de Vries syndrome. Last evaluated: 2023-01-20. Review status: criteria provided, single submitter. Criteria: Invitae Variant Classification Sherloc (09022015). Collection method: clinical testing. Allele origin: germline.
Comment: In summary, the available evidence is currently insufficient to determine the role of this variant in disease. Therefore, it has been classified as a Variant of Uncertain Significance. This variant has not been reported in the literature in individuals affected with KANSL1-related conditions. This variant is not present in population databases (gnomAD no frequency). This variant, c.2755_2757dup, results in the insertion of 1 amino acid(s) of the KANSL1 protein (p.Ala919dup), but otherwise preserves the integrity of the reading frame.

NM_015443.4(KANSL1):c.2752GCC[3] (p.Ala919_Leu920insAla)

Gene: KANSL1 (KAT8 regulatory NSL complex subunit 1). Cytogenetic location: 17q21.31.
Variant type: Indel.
Coding change: c.2752GCC[3] on transcript NM_015443.4 (MANE Select); three copies in a row of the 3-base unit GCC starting at c.2752.
Protein change: p.Ala919_Leu920insAla.
Molecular consequence: inframe insertion.
Genome position: GRCh38 VCF-style: chr17-46033159-G-GGGC. GRCh37 (hg19) VCF-style: chr17-44110525-G-GGGC.
Other names: c.2749GCC[3], p.Ala918_Leu919insAla (NM_001193465.2, NM_001405856.1, NM_001405857.1 and 1 more transcripts); c.2752GCC[3], p.Ala919_Leu920insAla (NM_001193466.2, NM_001379198.1, NM_001405854.1 and 4 more transcripts); c.2650GCC[3], p.Ala885_Leu886insAla (NM_001405859.1, NM_001405860.1); c.2647GCC[3], p.Ala884_Leu885insAla (NM_001405861.1, NM_001405881.1); c.2563GCC[3], p.Ala856_Leu857insAla (NM_001405875.1, NM_001405876.1, NM_001405877.1 and 1 more transcripts); c.2560GCC[3], p.Ala855_Leu856insAla (NM_001405879.1, NM_001405880.1); c.1486GCC[3], p.Ala497_Leu498insAla (NM_001405882.1); c.1483GCC[3], p.Ala496_Leu497insAla (NM_001405883.1); and 2 more.
Identifiers: ClinVar variation 2830607 (VCV002830607.3), dbSNP rs2510387645, ClinGen allele CA2739267589.